The following is an entry in ClinVar:

NM_014208.3(DSPP):c.3534delinsTAA (p.Asn1179fs)

Genes: DMP1-AS1 (DMP1 and DSPP antisense RNA 1; minus strand), DSPP (dentin sialophosphoprotein; plus strand). Cytogenetic location: 4q22.1.
Variant type: Indel.
Coding change: c.3534delinsTAA on transcript NM_014208.3 (MANE Select); coding-DNA position 3534, C replaced by TAA.
Protein change: p.Asn1179fs; shifts the reading frame from asparagine 1179.
Molecular consequence: frameshift variant.
Genome position (GRCh38, 1-based): chr4:87,616,196, C replaced by TAA. VCF-style: chr4-87616196-C-TAA. GRCh37 (hg19) VCF-style: chr4-88537348-C-TAA.
Other names: short protein forms N1179fs.
Identifiers: ClinVar variation 4082214 (VCV004082214.1).

ClinVar aggregate classification (germline): Likely pathogenic (1 of 4 stars; one submission).

Conditions:
Dentinogenesis imperfecta type 2 (DGI1). Also called: CAPDEPONT TEETH; OPALESCENT DENTIN; OPALESCENT TEETH WITHOUT OSTEOGENESIS IMPERFECTA; Dentinogenesis imperfecta without osteogenesis imperfecta; Hereditary Opalescent Dentin; Dentinogenesis imperfecta - Shield's type II. Identifiers: Orphanet 166260, MedGen C2973527, MONDO:0007441, OMIM 125490. Disease mechanism: loss of function.

Submission:

Reference Center For Rare Oral And Dental Diseases, CRMR O-Rares, Hôpitaux Universitaires De Strasbourg
Classification: Likely pathogenic for Dentinogenesis imperfecta type 2. Last evaluated: 2025-09-03. Review status: criteria provided, single submitter. Criteria: ACMG Guidelines, 2015. Collection method: clinical testing. Allele origin: unknown. Inheritance: Autosomal dominant inheritance. Affected: yes.
Comment: PVS1, PM2 (4)

Literature cited by the submitters: PubMed 26502894.